The following is an entry in ClinVar:

NM_000093.5(COL5A1):c.5012G>T (p.Cys1671Phe)

Genes: COL5A1 (collagen type V alpha 1 chain; plus strand), LOC101448202 (uncharacterized LOC101448202; minus strand). Cytogenetic location: 9q34.3.
Variant type: single nucleotide variant.
Coding change: c.5012G>T on transcript NM_000093.5 (MANE Select); coding-DNA position 5012, G replaced by T.
Protein change: p.Cys1671Phe; replaces cysteine 1671 with phenylalanine.
Molecular consequence: missense variant.
Genome position (GRCh38, 1-based): chr9:134,825,849, G>T. VCF-style: chr9-134825849-G-T. GRCh37 (hg19) VCF-style: chr9-137717695-G-T.
Other names: c.5012G>T (NM_000093.3); c.5012G>T, p.Cys1671Phe (NM_001278074.1); short protein forms C1671F.
Identifiers: ClinVar variation 1437556 (VCV001437556.9), dbSNP rs1554808357, ClinGen allele CA375458950.

ClinVar aggregate classification (germline): Uncertain significance. Review status: criteria provided, multiple submitters, no conflicts (2 of 4 stars). 2 submissions from 2 submitters: Uncertain significance (2). Last evaluated 2024-04-25.

Conditions:
Ehlers-Danlos syndrome, classic type, 1 (EDSCL1). Also called: EHLERS-DANLOS SYNDROME, GRAVIS TYPE; EHLERS-DANLOS SYNDROME, SEVERE CLASSIC TYPE; Ehlers-Danlos syndrome, type 1; Ehlers-Danlos Syndrome, Classic Type, COL5A1-Related; EDS I. Identifiers: MedGen C0268335, MONDO:0019567, OMIM 130000.
Familial thoracic aortic aneurysm and aortic dissection (TAAD). Also called: Thoracic aortic aneurysms and dissections. Identifiers: Orphanet 91387, MedGen C4707243, MONDO:0019625.

Submissions (2):

Ambry Genetics
Classification: Uncertain significance for Familial thoracic aortic aneurysm and aortic dissection. Last evaluated: 2024-04-25. Review status: criteria provided, single submitter. Criteria: Ambry Variant Classification Scheme 2023. Collection method: clinical testing. Allele origin: germline.
Comment: The p.C1671F variant (also known as c.5012G>T), located in coding exon 63 of the COL5A1 gene, results from a G to T substitution at nucleotide position 5012. The cysteine at codon 1671 is replaced by phenylalanine, an amino acid with highly dissimilar properties. This amino acid position is highly conserved in available vertebrate species. In addition, this alteration is predicted to be deleterious by in silico analysis. Based on the available evidence, the clinical significance of this variant remains unclear.

Labcorp Genetics (formerly Invitae), Labcorp
Classification: Uncertain significance for Ehlers-Danlos syndrome, classic type, 1. Last evaluated: 2022-10-08. Review status: criteria provided, single submitter. Criteria: Invitae Variant Classification Sherloc (09022015). Collection method: clinical testing. Allele origin: germline.
Comment: This missense change has been observed in individual(s) with Ehlers-Danlos syndrome, classical type (Invitae). In summary, the available evidence is currently insufficient to determine the role of this variant in disease. Therefore, it has been classified as a Variant of Uncertain Significance. Advanced modeling of protein sequence and biophysical properties (such as structural, functional, and spatial information, amino acid conservation, physicochemical variation, residue mobility, and thermodynamic stability) performed at Invitae indicates that this missense variant is expected to disrupt COL5A1 protein function. ClinVar contains an entry for this variant (Variation ID: 1437556). This variant is not present in population databases (gnomAD no frequency). This sequence change replaces cysteine, which is neutral and slightly polar, with phenylalanine, which is neutral and non-polar, at codon 1671 of the COL5A1 protein (p.Cys1671Phe).